The following is an entry in ClinVar:

ClinVar aggregate classification (germline): Uncertain significance (1 of 4 stars; one submission).

Allele frequency attached by ClinVar (database versions not stated): gnomAD 0.00001.

Submission:

Centre of Medical Genetics, University Hospital Muenster
Classification: Uncertain significance. Last evaluated: 2022-05-04. Review status: criteria provided, single submitter. Criteria: ACMG Guidelines, 2015. Collection method: clinical testing. Allele origin: unknown. Affected: yes. Observed: 1 variant allele, 1 heterozygote.
Comment: ACMG categories: PS4

NM_001126128.2(PROK2):c.3G>A (p.Met1Ile)

Gene: PROK2 (prokineticin 2; minus strand). Cytogenetic location: 3p13.
Variant type: single nucleotide variant.
Coding change: c.3G>A on transcript NM_001126128.2 (MANE Select); coding-DNA position 3, G replaced by A.
Protein change: p.Met1Ile; changes the start codon (methionine 1).
Molecular consequence: missense variant, initiator codon variant.
Genome position (GRCh38, 1-based): chr3:71,785,050, C>T on the plus strand (G>A on the coding strand, the complement: PROK2 is on the minus strand). VCF-style: chr3-71785050-C-T. GRCh37 (hg19) VCF-style: chr3-71834201-C-T.
Other names: c.3G>A, p.Met1Ile (NM_021935.4); short protein forms M1I.
Identifiers: ClinVar variation 1691558 (VCV001691558.5), dbSNP rs2050202948, ClinGen allele CA353501418.